The following is an entry in ClinVar:

NM_002076.4(GNS):c.859A>G (p.Asn287Asp)

Gene: GNS (glucosamine (N-acetyl)-6-sulfatase; minus strand). Cytogenetic location: 12q14.3.
Variant type: single nucleotide variant.
Coding change: c.859A>G on transcript NM_002076.4 (MANE Select); coding-DNA position 859, A replaced by G.
Protein change: p.Asn287Asp; replaces asparagine 287 with aspartic acid.
Molecular consequence: missense variant.
Genome position (GRCh38, 1-based): chr12:64,740,622, T>C on the plus strand (A>G on the coding strand, the complement: GNS is on the minus strand). VCF-style: chr12-64740622-T-C. GRCh37 (hg19) VCF-style: chr12-65134402-T-C.
Other names: c.859A>G (NM_002076.3); short protein forms N287D.
Identifiers: ClinVar variation 2183106 (VCV002183106.2), dbSNP rs2539521292, ClinGen allele CA385608478.

ClinVar aggregate classification (germline): Uncertain significance. Review status: criteria provided, multiple submitters, no conflicts (2 of 4 stars). 2 submissions from 2 submitters: Uncertain significance (2). Last evaluated 2024-11-27.

Conditions:
Inborn genetic diseases. Identifiers: MedGen C0950123, MeSH D030342.
Mucopolysaccharidosis, MPS-III-D (MPS3D). Also called: N-ACETYLGLUCOSAMINE-6-SULFATASE DEFICIENCY; SANFILIPPO SYNDROME D; MPS III D; Mucopoly-saccharidosis type 3D; N-acetylglucosamine-6-sulfate sulfatase deficiency; MPS 3D. Identifiers: Orphanet 581, Orphanet 79272, MedGen C0086650, MONDO:0009658, OMIM 252940.

Allele frequency attached by ClinVar (database versions not stated): gnomAD exomes 0.00001.
gnomAD v4.1: 7 of 1,546,372 alleles (0.00045%); highest among the groups gnomAD compares: Middle Eastern, 0.017%; no homozygotes.

Submissions (2):

Ambry Genetics
Classification: Uncertain significance for Inborn genetic diseases. Last evaluated: 2024-11-27. Review status: criteria provided, single submitter. Criteria: Ambry Variant Classification Scheme 2023. Collection method: clinical testing. Allele origin: germline.

Labcorp Genetics (formerly Invitae), Labcorp
Classification: Uncertain significance for Mucopolysaccharidosis, MPS-III-D. Last evaluated: 2022-02-24. Review status: criteria provided, single submitter. Criteria: Invitae Variant Classification Sherloc (09022015). Collection method: clinical testing. Allele origin: germline.
Comment: This sequence change replaces asparagine, which is neutral and polar, with aspartic acid, which is acidic and polar, at codon 287 of the GNS protein (p.Asn287Asp). This variant is not present in population databases (gnomAD no frequency). This variant has not been reported in the literature in individuals affected with GNS-related conditions. Algorithms developed to predict the effect of missense changes on protein structure and function output the following: SIFT: "Tolerated"; PolyPhen-2: "Benign"; Align-GVGD: "Class C0". The aspartic acid amino acid residue is found in multiple mammalian species, which suggests that this missense change does not adversely affect protein function. Algorithms developed to predict the effect of sequence changes on RNA splicing suggest that this variant may create or strengthen a splice site. In summary, the available evidence is currently insufficient to determine the role of this variant in disease. Therefore, it has been classified as a Variant of Uncertain Significance.